The following is an entry in ClinVar:

ClinVar aggregate classification (germline): Uncertain significance (1 of 4 stars; one submission).

Submission:

GeneDx
Classification: Uncertain significance. Last evaluated: 2025-08-27. Review status: criteria provided, single submitter. Criteria: GeneDx Variant Classification Process June 2021. Collection method: clinical testing. Allele origin: germline.
Comment: Not observed at significant frequency in large population cohorts (gnomAD); In silico analysis supports that this missense variant has a deleterious effect on protein structure/function; Has not been previously published as pathogenic or benign to our knowledge

NM_012280.4(FTSJ1):c.310C>T (p.His104Tyr)

Gene: FTSJ1 (FtsJ RNA 2'-O-methyltransferase 1; plus strand). Cytogenetic location: Xp11.23.
Variant type: single nucleotide variant.
Coding change: c.310C>T on transcript NM_012280.4 (MANE Select); coding-DNA position 310, C replaced by T.
Protein change: p.His104Tyr; replaces histidine 104 with tyrosine.
Molecular consequence: missense variant.
Genome position (GRCh38, 1-based): chrX:48,479,065, C>T. VCF-style: chrX-48479065-C-T. GRCh37 (hg19) VCF-style: chrX-48337453-C-T.
Other names: c.-49C>T (NM_001282157.2); c.310C>T, p.His104Tyr (NM_177439.3); short protein forms H104Y.
Identifiers: ClinVar variation 3363237 (VCV003363237.2).